The following is an entry in ClinVar:

NM_002291.3(LAMB1):c.1985+12G>A

Gene: LAMB1 (laminin subunit beta 1; minus strand). Cytogenetic location: 7q31.1.
Variant type: single nucleotide variant.
Coding change: c.1985+12G>A on transcript NM_002291.3 (MANE Select); 12 bases into the intron after coding-DNA position 1985, G replaced by A.
Molecular consequence: intron variant.
Genome position (GRCh38, 1-based): chr7:107,961,537, C>T on the plus strand (G>A on the coding strand, the complement: LAMB1 is on the minus strand). VCF-style: chr7-107961537-C-T. GRCh37 (hg19) VCF-style: chr7-107601982-C-T.
Identifiers: ClinVar variation 384302 (VCV000384302.10), dbSNP rs74424122, ClinGen allele CA4435809.

ClinVar aggregate classification (germline): Benign. Review status: criteria provided, multiple submitters, no conflicts (2 of 4 stars). 2 submissions from 2 submitters: Benign (2). Last evaluated 2026-01-26.

Allele frequency attached by ClinVar (database versions not stated): TOPMed 0.00873; 1000 Genomes Project 0.01058; ESP Exome Variant Server 0.01076; 1000 Genomes Project 30x 0.01265.
gnomAD v4.1: 2,515 of 1,609,136 alleles (0.16%); highest among the groups gnomAD compares: African/African-American, 3%; 33 homozygotes.

Submissions (2):

Labcorp Genetics (formerly Invitae), Labcorp
Classification: Benign. Last evaluated: 2026-01-26. Review status: criteria provided, single submitter. Criteria: Invitae Variant Classification Sherloc (09022015). Collection method: clinical testing. Allele origin: germline.

GeneDx
Classification: Benign. Last evaluated: 2016-07-25. Review status: criteria provided, single submitter. Criteria: GeneDx Variant Classification (06012015). Collection method: clinical testing. Allele origin: germline. Affected: yes.
Comment: This variant is considered likely benign or benign based on one or more of the following criteria: it is a conservative change, it occurs at a poorly conserved position in the protein, it is predicted to be benign by multiple in silico algorithms, and/or has population frequency not consistent with disease.